The following is an entry in ClinVar:

ClinVar aggregate classification (germline): Pathogenic (1 of 4 stars; one submission).

Submission:

Labcorp Genetics (formerly Invitae), Labcorp
Classification: Pathogenic. Last evaluated: 2020-04-14. Review status: criteria provided, single submitter. Criteria: Invitae Variant Classification Sherloc (09022015). Collection method: clinical testing. Allele origin: germline.
Comment: For these reasons, this variant has been classified as Pathogenic. Donor and acceptor splice site variants typically lead to a loss of protein function (PMID: 16199547), and loss-of-function variants in USH2A are known to be pathogenic (PMID: 10729113, 10909849, 20507924, 25649381). Algorithms developed to predict the effect of sequence changes on RNA splicing suggest that this variant may disrupt the consensus splice site, but this prediction has not been confirmed by published transcriptional studies. Disruption of this splice site has been observed in individual(s) with Usher syndrome (PMID: 27460420, 29490346, Invitae). This variant is not present in population databases (ExAC no frequency). This sequence change affects a donor splice site in intron 28 of the USH2A gene. It is expected to disrupt RNA splicing and likely results in an absent or disrupted protein product.

Literature cited by the submitters: PubMed 16199547; PubMed 10729113; PubMed 10909849; PubMed 20507924; PubMed 25649381; PubMed 27460420; PubMed 29490346.

NM_206933.4(USH2A):c.5776+2T>G

Genes: USH2A (usherin; minus strand), USH2A-AS2 (USH2A antisense RNA 2; plus strand). Cytogenetic location: 1q41.
Variant type: single nucleotide variant.
Coding change: c.5776+2T>G on transcript NM_206933.4 (MANE Select); the canonical splice donor site of the intron after coding-DNA position 5776, T replaced by G.
Molecular consequence: splice donor variant.
Genome position (GRCh38, 1-based): chr1:216,073,095, A>C on the plus strand (T>G on the coding strand, the complement: USH2A is on the minus strand). VCF-style: chr1-216073095-A-C. GRCh37 (hg19) VCF-style: chr1-216246437-A-C.
Identifiers: ClinVar variation 1073368 (VCV001073368.10), dbSNP rs866978361, ClinGen allele CA344853961.
Genomic context (GRCh38, chr1:216,073,095, plus strand): 5'-GGGAGGGAAAGGGGGATGAATAAGAGACATGTAACATTTAATTTAGAGGACCTCCACATT[A>C]CCTGTAAAAGGCTGGAGACCACCCTCGTAAACACTCTGCTCTTTTCCCTGGTAAACCAGG-3'